The following is an entry in ClinVar:

NM_001100913.3(PACS2):c.400G>A (p.Ala134Thr)

Gene: PACS2 (phosphofurin acidic cluster sorting protein 2; plus strand). Cytogenetic location: 14q32.33.
Variant type: single nucleotide variant.
Coding change: c.400G>A on transcript NM_001100913.3 (MANE Select); coding-DNA position 400, G replaced by A.
Protein change: p.Ala134Thr; replaces alanine 134 with threonine.
Molecular consequence: missense variant.
Genome position (GRCh38, 1-based): chr14:105,355,154, G>A. VCF-style: chr14-105355154-G-A. GRCh37 (hg19) VCF-style: chr14-105821491-G-A.
Other names: c.199G>A, p.Ala67Thr (NM_001243127.3); c.400G>A, p.Ala134Thr (NM_015197.4); short protein forms A134T, A67T.
Identifiers: ClinVar variation 1934497 (VCV001934497.5), dbSNP rs1555405106, ClinGen allele CA391200680.

ClinVar aggregate classification (germline): Uncertain significance (1 of 4 stars; one submission).

gnomAD v4.1: 12 of 1,613,378 alleles (0.00074%); highest among the groups gnomAD compares: Middle Eastern, 0.017%; no homozygotes.

Submission:

Labcorp Genetics (formerly Invitae), Labcorp
Classification: Uncertain significance. Last evaluated: 2022-08-21. Review status: criteria provided, single submitter. Criteria: Invitae Variant Classification Sherloc (09022015). Collection method: clinical testing. Allele origin: germline.
Comment: Algorithms developed to predict the effect of missense changes on protein structure and function (SIFT, PolyPhen-2, Align-GVGD) all suggest that this variant is likely to be tolerated. This sequence change replaces alanine, which is neutral and non-polar, with threonine, which is neutral and polar, at codon 134 of the PACS2 protein (p.Ala134Thr). This variant is present in population databases (no rsID available, gnomAD 0.003%). This variant has not been reported in the literature in individuals affected with PACS2-related conditions. In summary, the available evidence is currently insufficient to determine the role of this variant in disease. Therefore, it has been classified as a Variant of Uncertain Significance.